The following is an entry in ClinVar:

ClinVar aggregate classification (germline): Likely pathogenic (1 of 4 stars; one submission).

Submission:

ARUP Laboratories, Molecular Genetics and Genomics, ARUP Laboratories
Classification: Likely pathogenic. Last evaluated: 2024-10-22. Review status: criteria provided, single submitter. Criteria: ARUP Molecular Germline Variant Investigation Process 2024. Collection method: clinical testing. Allele origin: germline.
Comment: The NF1 c.6423del; p.Phe2141LeufsTer9 variant (chr17: 29663925), to our knowledge, is not reported in the medical literature or gene specific databases. This variant is also absent from the Genome Aggregation Database (v2.1.1), indicating it is not a common polymorphism. This variant causes a frameshift by deleting a single nucleotide, so it is predicted to result in a truncated protein or mRNA subject to nonsense-mediated decay. Based on available information, this variant is considered to be likely pathogenic.

NM_001042492.3(NF1):c.6423del (p.Phe2141fs)

Gene: NF1 (neurofibromin 1; plus strand). Cytogenetic location: 17q11.2.
Variant type: Deletion.
Coding change: c.6423del on transcript NM_001042492.3 (MANE Select); coding-DNA position 6423, one base deleted (T; older notation c.6423delT).
Protein change: p.Phe2141fs; shifts the reading frame from phenylalanine 2141.
Molecular consequence: frameshift variant.
Genome position (GRCh38, 1-based): chr17:31,336,910, T deleted; the last of 4 consecutive T bases (chr17:31,336,907-31,336,910); deleting any one gives the same sequence. VCF-style (leftmost placement, unchanged base first): chr17-31336906-AT-A. GRCh37 (hg19) VCF-style: chr17-29663924-AT-A.
Other names: c.6360delT, p.Phe2120Leufs (NM_000267.4); short protein forms F2120fs, F2141fs.
Identifiers: ClinVar variation 3766916 (VCV003766916.1).